The following is an entry in ClinVar:

ClinVar aggregate classification (germline): Uncertain significance. Review status: criteria provided, multiple submitters, no conflicts (2 of 4 stars). 2 submissions from 2 submitters: Uncertain significance (2). Last evaluated 2024-10-16.

Allele frequency attached by ClinVar (database versions not stated): gnomAD exomes below 0.00001.
gnomAD v4.1: 1 of 1,586,470 alleles (0.000063%); highest among the groups gnomAD compares: Non-Finnish European, 0.000086%; no homozygotes.

Submissions (2):

Ambry Genetics
Classification: Uncertain significance. Last evaluated: 2024-10-16. Review status: criteria provided, single submitter. Criteria: Ambry Variant Classification Scheme 2023. Collection method: clinical testing. Allele origin: germline.

Labcorp Genetics (formerly Invitae), Labcorp
Classification: Uncertain significance. Last evaluated: 2023-03-26. Review status: criteria provided, single submitter. Criteria: Invitae Variant Classification Sherloc (09022015). Collection method: clinical testing. Allele origin: germline.
Comment: In summary, the available evidence is currently insufficient to determine the role of this variant in disease. Therefore, it has been classified as a Variant of Uncertain Significance. Algorithms developed to predict the effect of missense changes on protein structure and function output the following: SIFT: "Not Available"; PolyPhen-2: "Probably Damaging"; Align-GVGD: "Not Available". The serine amino acid residue is found in multiple mammalian species, which suggests that this missense change does not adversely affect protein function. This variant has not been reported in the literature in individuals affected with MKL1-related conditions. This variant is not present in population databases (gnomAD no frequency). This sequence change replaces proline, which is neutral and non-polar, with serine, which is neutral and polar, at codon 419 of the MKL1 protein (p.Pro419Ser).

NM_020831.6(MRTFA):c.1555C>T (p.Pro519Ser)

Gene: MRTFA (myocardin related transcription factor A; minus strand). Cytogenetic location: 22q13.1.
Variant type: single nucleotide variant.
Coding change: c.1555C>T on transcript NM_020831.6 (MANE Select); coding-DNA position 1555, C replaced by T.
Protein change: p.Pro519Ser; replaces proline 519 with serine.
Molecular consequence: missense variant.
Genome position (GRCh38, 1-based): chr22:40,419,183, G>A on the plus strand (C>T on the coding strand, the complement: MRTFA is on the minus strand). VCF-style: chr22-40419183-G-A. GRCh37 (hg19) VCF-style: chr22-40815187-G-A.
Other names: c.1255C>T (NM_020831.3); c.1255C>T, p.Pro419Ser (NM_001282660.2); c.1405C>T, p.Pro469Ser (NM_001282661.3); c.1555C>T, p.Pro519Ser (NM_001282662.3); c.1360C>T, p.Pro454Ser (NM_001318139.2); short protein forms P454S, P419S, P519S, P469S.
Identifiers: ClinVar variation 2817087 (VCV002817087.4), dbSNP rs2517817699, ClinGen allele CA411661940.